The following is an entry in ClinVar:

NM_001160148.2(DDHD1):c.1569C>G (p.Asp523Glu)

Gene: DDHD1 (DDHD domain containing 1; minus strand). Cytogenetic location: 14q22.1.
Variant type: single nucleotide variant.
Coding change: c.1569C>G on transcript NM_001160148.2 (MANE Select); coding-DNA position 1569, C replaced by G.
Protein change: p.Asp523Glu; replaces aspartic acid 523 with glutamic acid.
Molecular consequence: missense variant.
Genome position (GRCh38, 1-based): chr14:53,063,140, G>C on the plus strand (C>G on the coding strand, the complement: DDHD1 is on the minus strand). VCF-style: chr14-53063140-G-C. GRCh37 (hg19) VCF-style: chr14-53529858-G-C.
Other names: c.1590C>G, p.Asp530Glu (NM_001160147.2); c.1569C>G, p.Asp523Glu (NM_030637.3); short protein forms D523E, D530E.
Identifiers: ClinVar variation 2093089 (VCV002093089.4), dbSNP rs2503095597, ClinGen allele CA389763219.

ClinVar aggregate classification (germline): Uncertain significance (1 of 4 stars; one submission).

Conditions:
Hereditary spastic paraplegia 28. Also called: Spastic paraplegia 28, autosomal recessive. Identifiers: Orphanet 101008, MedGen C1836295, MONDO:0012256, OMIM 609340.

Submission:

Labcorp Genetics (formerly Invitae), Labcorp
Classification: Uncertain significance for Hereditary spastic paraplegia 28. Last evaluated: 2024-02-23. Review status: criteria provided, single submitter. Criteria: Invitae Variant Classification Sherloc (09022015). Collection method: clinical testing. Allele origin: germline.
Comment: This sequence change replaces aspartic acid, which is acidic and polar, with glutamic acid, which is acidic and polar, at codon 530 of the DDHD1 protein (p.Asp530Glu). This variant is not present in population databases (gnomAD no frequency). This variant has not been reported in the literature in individuals affected with DDHD1-related conditions. ClinVar contains an entry for this variant (Variation ID: 2093089). Advanced modeling of protein sequence and biophysical properties (such as structural, functional, and spatial information, amino acid conservation, physicochemical variation, residue mobility, and thermodynamic stability) performed at Invitae indicates that this missense variant is not expected to disrupt DDHD1 protein function with a negative predictive value of 80%. In summary, the available evidence is currently insufficient to determine the role of this variant in disease. Therefore, it has been classified as a Variant of Uncertain Significance.